The following is an entry in ClinVar:

NM_002474.3(MYH11):c.3425G>A (p.Arg1142Gln)

Gene: MYH11 (myosin heavy chain 11; minus strand). Cytogenetic location: 16p13.11.
Variant type: single nucleotide variant.
Coding change: c.3425G>A on transcript NM_002474.3 (MANE Select); coding-DNA position 3425, G replaced by A.
Protein change: p.Arg1142Gln; replaces arginine 1142 with glutamine.
Molecular consequence: missense variant.
Genome position (GRCh38, 1-based): chr16:15,735,447, C>T on the plus strand (G>A on the coding strand, the complement: MYH11 is on the minus strand). VCF-style: chr16-15735447-C-T. GRCh37 (hg19) VCF-style: chr16-15829304-C-T.
Other names: c.3446G>A, p.Arg1149Gln (NM_001040114.2, NM_001040113.2); c.3425G>A, p.Arg1142Gln (NM_022844.3); short protein forms R1149Q, R1142Q.
Identifiers: ClinVar variation 1731304 (VCV001731304.8), dbSNP rs762541348, ClinGen allele CA7921998.

ClinVar aggregate classification (germline): Uncertain significance. Review status: criteria provided, multiple submitters, no conflicts (2 of 4 stars). 3 submissions from 3 submitters: Uncertain significance (3). Last evaluated 2025-06-20.

Conditions:
Familial thoracic aortic aneurysm and aortic dissection (TAAD). Also called: Thoracic aortic aneurysms and dissections. Identifiers: Orphanet 91387, MedGen C4707243, MONDO:0019625.
Aortic aneurysm, familial thoracic 4 (AAT4). Also called: AORTIC ANEURYSM/AORTIC DISSECTION AND PATENT DUCTUS ARTERIOSUS. Identifiers: MedGen C1851504, MONDO:0007568, OMIM 132900.

Allele frequency attached by ClinVar (database versions not stated): gnomAD exomes below 0.00001; TOPMed below 0.00001; ExAC 0.00001.
gnomAD v4.1: 7 of 1,613,956 alleles (0.00043%); highest among the groups gnomAD compares: Admixed American, 0.0033%; no homozygotes.

Submissions (3):

Color Diagnostics, LLC DBA Color Health
Classification: Uncertain significance for Familial thoracic aortic aneurysm and aortic dissection. Last evaluated: 2025-06-20. Review status: criteria provided, single submitter. Criteria: ACMG Guidelines, 2015. Collection method: clinical testing. Allele origin: germline.
Comment: This missense variant replaces arginine with glutamine at codon 1149 of the MYH11 protein. Computational prediction tool is inconclusive regarding the impact of this variant on protein structure and function. To our knowledge, functional studies have not been reported for this variant. This variant has not been reported in individuals affected with MYH11-related disorders in the literature. This variant has been identified in 2/251484 chromosomes in the general population by the Genome Aggregation Database (gnomAD). The available evidence is insufficient to determine the role of this variant in disease conclusively. Therefore, this variant is classified as a Variant of Uncertain Significance.

Labcorp Genetics (formerly Invitae), Labcorp
Classification: Uncertain significance for Aortic aneurysm, familial thoracic 4. Last evaluated: 2024-11-16. Review status: criteria provided, single submitter. Criteria: Invitae Variant Classification Sherloc (09022015). Collection method: clinical testing. Allele origin: germline.
Comment: This sequence change replaces arginine, which is basic and polar, with glutamine, which is neutral and polar, at codon 1149 of the MYH11 protein (p.Arg1149Gln). This variant is present in population databases (rs762541348, gnomAD 0.003%). This variant has not been reported in the literature in individuals affected with MYH11-related conditions. ClinVar contains an entry for this variant (Variation ID: 1731304). Invitae Evidence Modeling of protein sequence and biophysical properties (such as structural, functional, and spatial information, amino acid conservation, physicochemical variation, residue mobility, and thermodynamic stability) indicates that this missense variant is not expected to disrupt MYH11 protein function with a negative predictive value of 95%. In summary, the available evidence is currently insufficient to determine the role of this variant in disease. Therefore, it has been classified as a Variant of Uncertain Significance.

Ambry Genetics
Classification: Uncertain significance for Familial thoracic aortic aneurysm and aortic dissection. Last evaluated: 2022-07-11. Review status: criteria provided, single submitter. Criteria: Ambry Variant Classification Scheme 2023. Collection method: clinical testing. Allele origin: germline.
Comment: The p.R1142Q variant (also known as c.3425G>A), located in coding exon 25 of the MYH11 gene, results from a G to A substitution at nucleotide position 3425. The arginine at codon 1142 is replaced by glutamine, an amino acid with highly similar properties. This amino acid position is conserved. In addition, the in silico prediction for this alteration is inconclusive. Since supporting evidence is limited at this time, the clinical significance of this alteration remains unclear.